The following is an entry in ClinVar:

ClinVar aggregate classification (germline): Uncertain significance. Review status: criteria provided, multiple submitters, no conflicts (2 of 4 stars). 3 submissions from 3 submitters: Uncertain significance (3). Last evaluated 2025-10-06.

Conditions:
Inborn genetic diseases. Identifiers: MedGen C0950123, MeSH D030342.
Familial infantile myasthenia (CMS6). Also called: MYASTHENIC SYNDROME, CONGENITAL, 6, PRESYNAPTIC; Congenital myasthenic syndrome type 6; MYASTHENIC SYNDROME, PRESYNAPTIC, CONGENITAL, ASSOCIATED WITH EPISODIC APNEA. Identifiers: Orphanet 590, MedGen C0393929, MONDO:0009689, OMIM 254210.

Allele frequency attached by ClinVar (database versions not stated): gnomAD 0.00003; ExAC 0.00004; TOPMed 0.00004; gnomAD exomes 0.00007.
gnomAD v4.1: 111 of 1,614,114 alleles (0.0069%); highest among the groups gnomAD compares: Non-Finnish European, 0.0091%; no homozygotes.

Submissions (3):

Ambry Genetics
Classification: Uncertain significance for Inborn genetic diseases. Last evaluated: 2025-10-06. Review status: criteria provided, single submitter. Criteria: Ambry Variant Classification Scheme 2023. Collection method: clinical testing. Allele origin: germline.

Labcorp Genetics (formerly Invitae), Labcorp
Classification: Uncertain significance for Familial infantile myasthenia. Last evaluated: 2023-11-07. Review status: criteria provided, single submitter. Criteria: Invitae Variant Classification Sherloc (09022015). Collection method: clinical testing. Allele origin: germline.
Comment: This sequence change replaces proline, which is neutral and non-polar, with serine, which is neutral and polar, at codon 393 of the CHAT protein (p.Pro393Ser). This variant is present in population databases (rs201553605, gnomAD 0.007%). This variant has not been reported in the literature in individuals affected with CHAT-related conditions. ClinVar contains an entry for this variant (Variation ID: 1918068). Advanced modeling of protein sequence and biophysical properties (such as structural, functional, and spatial information, amino acid conservation, physicochemical variation, residue mobility, and thermodynamic stability) performed at Invitae indicates that this missense variant is not expected to disrupt CHAT protein function with a negative predictive value of 95%. In summary, the available evidence is currently insufficient to determine the role of this variant in disease. Therefore, it has been classified as a Variant of Uncertain Significance.

Revvity Omics, Revvity
Classification: Uncertain significance for Familial infantile myasthenia. Last evaluated: 2020-02-12. Review status: criteria provided, single submitter. Criteria: ACMG Guidelines, 2015. Collection method: clinical testing. Allele origin: germline.

NM_020549.5(CHAT):c.1177C>T (p.Pro393Ser)

Gene: CHAT (choline O-acetyltransferase; plus strand). Cytogenetic location: 10q11.23.
Variant type: single nucleotide variant.
Coding change: c.1177C>T on transcript NM_020549.5 (MANE Select); coding-DNA position 1177, C replaced by T.
Protein change: p.Pro393Ser; replaces proline 393 with serine.
Molecular consequence: missense variant.
Genome position (GRCh38, 1-based): chr10:49,646,570, C>T. VCF-style: chr10-49646570-C-T. GRCh37 (hg19) VCF-style: chr10-50854616-C-T.
Other names: c.823C>T, p.Pro275Ser (NM_001142929.2, NM_001142934.2, NM_020984.4 and 2 more transcripts); c.931C>T, p.Pro311Ser (NM_001142933.2); c.1177C>T (NM_020549.4); short protein forms P311S, P275S, P393S.
Identifiers: ClinVar variation 1918068 (VCV001918068.9), dbSNP rs201553605, ClinGen allele CA5497407.